The following is an entry in ClinVar:

ClinVar aggregate classification (germline): Uncertain significance (1 of 4 stars; one submission).

Allele frequency attached by ClinVar (database versions not stated): TOPMed below 0.00001; gnomAD 0.00001.
gnomAD v4.1: 1 of 1,527,854 alleles (0.000065%); highest among the groups gnomAD compares: Non-Finnish European, 0.000088%; no homozygotes.

Submission:

GeneDx
Classification: Uncertain significance. Last evaluated: 2022-12-15. Review status: criteria provided, single submitter. Criteria: GeneDx Variant Classification Process June 2021. Collection method: clinical testing. Allele origin: germline. Affected: yes.
Comment: Not observed at significant frequency in large population cohorts (gnomAD); In silico analysis supports that this missense variant does not alter protein structure/function; Has not been previously published as pathogenic or benign to our knowledge

NM_001353345.2(SETD1B):c.2372C>T (p.Ala791Val)

Gene: SETD1B (SET domain containing 1B, histone lysine methyltransferase; plus strand). Cytogenetic location: 12q24.31.
Variant type: single nucleotide variant.
Coding change: c.2372C>T on transcript NM_001353345.2 (MANE Select); coding-DNA position 2372, C replaced by T.
Protein change: p.Ala791Val; replaces alanine 791 with valine.
Molecular consequence: missense variant.
Genome position (GRCh38, 1-based): chr12:121,814,587, C>T. VCF-style: chr12-121814587-C-T. GRCh37 (hg19) VCF-style: chr12-122252493-C-T.
Other names: short protein forms A791V.
Identifiers: ClinVar variation 2505753 (VCV002505753.1), dbSNP rs1471281552, ClinGen allele CA386994520.